The following is an entry in ClinVar:

NM_000257.4(MYH7):c.615C>G (p.Ser205Arg)

Gene: MYH7 (myosin heavy chain 7; minus strand). Cytogenetic location: 14q11.2.
Variant type: single nucleotide variant.
Coding change: c.615C>G on transcript NM_000257.4 (MANE Select); coding-DNA position 615, C replaced by G.
Protein change: p.Ser205Arg; replaces serine 205 with arginine.
Molecular consequence: missense variant.
Genome position (GRCh38, 1-based): chr14:23,431,785, G>C on the plus strand (C>G on the coding strand, the complement: MYH7 is on the minus strand). VCF-style: chr14-23431785-G-C. GRCh37 (hg19) VCF-style: chr14-23900994-G-C.
Other names: c.615C>G, p.Ser205Arg (NM_001407004.1); c.615C>G (NM_000257.3); short protein forms S205R.
Identifiers: ClinVar variation 1998776 (VCV001998776.5), dbSNP rs2502313664, ClinGen allele CA389052420.

ClinVar aggregate classification (germline): Uncertain significance. Review status: criteria provided, multiple submitters, no conflicts (2 of 4 stars). 2 submissions from 2 submitters: Uncertain significance (2). Last evaluated 2025-07-24.

Conditions:
Cardiovascular phenotype. Identifiers: MedGen CN230736.
Hypertrophic cardiomyopathy. Also called: HYPERTROPHIC MYOCARDIOPATHY. Identifiers: Orphanet 217569, MedGen C0007194, MeSH D002312, MONDO:0005045, HP:0001639.

Submissions (2):

Molecular Diagnostic Laboratory for Inherited Cardiovascular Disease, Montreal Heart Institute
Classification: Uncertain significance for Cardiovascular phenotype. Last evaluated: 2025-07-24. Review status: criteria provided, single submitter. Criteria: ACMG Guidelines, 2015. Collection method: clinical testing. Allele origin: germline. Affected: yes.
Comment: PM1, PM2

Labcorp Genetics (formerly Invitae), Labcorp
Classification: Uncertain significance for Hypertrophic cardiomyopathy. Last evaluated: 2022-05-25. Review status: criteria provided, single submitter. Criteria: Invitae Variant Classification Sherloc (09022015). Collection method: clinical testing. Allele origin: germline.
Comment: Algorithms developed to predict the effect of missense changes on protein structure and function are either unavailable or do not agree on the potential impact of this missense change (SIFT: "Deleterious"; PolyPhen-2: "Benign"; Align-GVGD: "Class C0"). In summary, the available evidence is currently insufficient to determine the role of this variant in disease. Therefore, it has been classified as a Variant of Uncertain Significance. This variant is found within a region of MYH7 between codons 181 and 937 that contains the majority of the myosin head domain. Missense variants in this region have been shown to be significantly overrepresented in individuals with hypertrophic cardiomyopathy (PMID: 27532257). This variant has not been reported in the literature in individuals affected with MYH7-related conditions. This variant is not present in population databases (gnomAD no frequency). This sequence change replaces serine, which is neutral and polar, with arginine, which is basic and polar, at codon 205 of the MYH7 protein (p.Ser205Arg).

Literature cited by the submitters: PubMed 27532257 (cited by Labcorp Genetics (formerly Invitae), Labcorp).